The following is an entry in ClinVar:

NM_001733.7(C1R):c.1014C>T (p.Cys338=)

Gene: C1R (complement C1r; minus strand). Cytogenetic location: 12p13.31.
Variant type: single nucleotide variant.
Coding change: c.1014C>T on transcript NM_001733.7 (MANE Select); coding-DNA position 1014, C replaced by T.
Protein change: p.Cys338=; no amino-acid change (cysteine 338 retained).
Molecular consequence: synonymous variant.
Genome position (GRCh38, 1-based): chr12:7,088,634, G>A on the plus strand (C>T on the coding strand, the complement: C1R is on the minus strand). VCF-style: chr12-7088634-G-A. GRCh37 (hg19) VCF-style: chr12-7241230-G-A.
Other names: p.Cys338=; c.1056C>T, p.Cys352= (NM_001354346.2).
Identifiers: ClinVar variation 4683723 (VCV004683723.1).

ClinVar aggregate classification (germline): Likely benign (1 of 4 stars; one submission).

gnomAD v4.1: 2 of 732,168 alleles (0.00027%); highest among the groups gnomAD compares: Non-Finnish European, 0.00051%; no homozygotes.

Submission:

Mayo Clinic Laboratories, Mayo Clinic
Classification: Likely benign. Last evaluated: 2025-09-16. Review status: criteria provided, single submitter. Criteria: ACMG Guidelines, 2015. Collection method: clinical testing. Allele origin: germline. Observed: 1 variant allele.
Comment: BP4, BP7